The following is an entry in ClinVar:

NM_007194.4(CHEK2):c.788A>G (p.Glu263Gly)

Gene: CHEK2 (checkpoint kinase 2; minus strand). Cytogenetic location: 22q12.1.
Variant type: single nucleotide variant.
Coding change: c.788A>G on transcript NM_007194.4 (MANE Select); coding-DNA position 788, A replaced by G.
Protein change: p.Glu263Gly; replaces glutamic acid 263 with glycine.
Molecular consequence: missense variant.
Genome position (GRCh38, 1-based): chr22:28,711,913, T>C on the plus strand (A>G on the coding strand, the complement: CHEK2 is on the minus strand). VCF-style: chr22-28711913-T-C. GRCh37 (hg19) VCF-style: chr22-29107901-T-C.
Other names: c.917A>G, p.Glu306Gly (NM_001005735.3); c.125A>G, p.Glu42Gly (NM_001257387.3); c.587A>G, p.Glu196Gly (NM_001349956.3); c.788A>G, p.Glu263Gly (NM_145862.3); short protein forms E196G, E263G, E306G, E42G.
Identifiers: ClinVar variation 3658071 (VCV003658071.2).

ClinVar aggregate classification (germline): Uncertain significance (1 of 4 stars; one submission).

Conditions:
Familial cancer of breast. Also called: Hereditary breast cancer; hereditary breast carcinoma; BREAST CANCER, FAMILIAL. Identifiers: Orphanet 227535, MedGen C0346153, MONDO:0016419, OMIM 114480. Disease mechanism: loss of function.

Submission:

Labcorp Genetics (formerly Invitae), Labcorp
Classification: Uncertain significance for Familial cancer of breast. Last evaluated: 2024-06-28. Review status: criteria provided, single submitter. Criteria: Invitae Variant Classification Sherloc (09022015). Collection method: clinical testing. Allele origin: germline.
Comment: This sequence change replaces glutamic acid, which is acidic and polar, with glycine, which is neutral and non-polar, at codon 263 of the CHEK2 protein (p.Glu263Gly). This variant is not present in population databases (gnomAD no frequency). This variant has not been reported in the literature in individuals affected with CHEK2-related conditions. An algorithm developed to predict the effect of missense changes on protein structure and function (PolyPhen-2) suggests that this variant is likely to be tolerated. In summary, the available evidence is currently insufficient to determine the role of this variant in disease. Therefore, it has been classified as a Variant of Uncertain Significance.